The following is an entry in ClinVar:

NM_001394062.1(MACF1):c.16367C>T (p.Thr5456Ile)

Gene: MACF1 (microtubule actin crosslinking factor 1; plus strand). Cytogenetic location: 1p34.3.
Variant type: single nucleotide variant.
Coding change: c.16367C>T on transcript NM_001394062.1 (MANE Select); coding-DNA position 16367, C replaced by T.
Protein change: p.Thr5456Ile; replaces threonine 5456 with isoleucine.
Molecular consequence: missense variant.
Genome position (GRCh38, 1-based): chr1:39,427,505, C>T. VCF-style: chr1-39427505-C-T. GRCh37 (hg19) VCF-style: chr1-39893177-C-T.
Other names: c.4763C>T, p.Thr1588Ile (NM_001397473.1); c.10181C>T, p.Thr3394Ile (NM_012090.5); short protein forms T1588I, T5456I, T3394I.
Identifiers: ClinVar variation 2045680 (VCV002045680.30), dbSNP rs150229499, ClinGen allele CA783343.
Genomic context (GRCh38, chr1:39,427,505, plus strand): 5'-ATTTGTGTAGGCAAAAACAGCTGGAAGACATCCTGGTTCTGGCCAAACAGTTCCATGAGA[C>T]AGCTGAGCCTATTTCTGACTTCTTATCTGTCACAGAGAAAAAGCTTGCTAACTCAGAACC-3'
Protein context (NP_001380991.1, residues 5446-5466): ILVLAKQFHE[Thr5456Ile]AEPISDFLSV

ClinVar aggregate classification (germline): Benign/Likely benign. Review status: criteria provided, multiple submitters, no conflicts (2 of 4 stars). 4 submissions from 4 submitters: Benign (1); Likely benign (2). 1 of the submissions does not count toward it. Last evaluated 2026-02-01.

Conditions:
MACF1-related disorder. Also called: MACF1-related condition.

Allele frequency attached by ClinVar (database versions not stated): gnomAD exomes 0.00024; ExAC 0.00035; 1000 Genomes Project 0.00060; 1000 Genomes Project 30x 0.00062; ESP Exome Variant Server 0.00062; gnomAD 0.00062; TOPMed 0.00093.
gnomAD v4.1: 502 of 1,614,130 alleles (0.031%); highest among the groups gnomAD compares: Middle Eastern, 0.18%; 1 homozygote.

Submissions (4):

CeGaT Center for Human Genetics Tuebingen
Classification: Benign. Last evaluated: 2026-02-01. Review status: criteria provided, single submitter. Criteria: CeGaT Center For Human Genetics Tuebingen Variant Classification Criteria Version 2. Collection method: clinical testing. Allele origin: germline. Affected: yes. Observed: 2 variant alleles.
Comment: MACF1: BS1, BS2

Labcorp Genetics (formerly Invitae), Labcorp
Classification: Likely benign. Last evaluated: 2025-09-29. Review status: criteria provided, single submitter. Criteria: Invitae Variant Classification Sherloc (09022015). Collection method: clinical testing. Allele origin: germline.

Blueprint Genetics
Classification: Likely benign. Last evaluated: 2024-07-29. Review status: criteria provided, single submitter. Criteria: ACMG Guidelines, 2015. Collection method: clinical testing. Allele origin: germline.

PreventionGenetics, part of Exact Sciences
Classification: Likely benign for MACF1-related condition. Last evaluated: 2023-02-13. Review status: no assertion criteria provided. Collection method: clinical testing. Allele origin: germline. Not counted in ClinVar's aggregate classification.
Comment: This variant is classified as likely benign based on ACMG/AMP sequence variant interpretation guidelines (Richards et al. 2015 PMID: 25741868, with internal and published modifications).